The following is an entry in ClinVar:

NM_080680.3(COL11A2):c.1179T>C (p.Pro393=)

Gene: COL11A2 (collagen type XI alpha 2 chain; minus strand). Cytogenetic location: 6p21.32.
Variant type: single nucleotide variant.
Coding change: c.1179T>C on transcript NM_080680.3 (MANE Select); coding-DNA position 1179, T replaced by C.
Protein change: p.Pro393=; no amino-acid change (proline 393 retained).
Molecular consequence: synonymous variant.
Genome position (GRCh38, 1-based): chr6:33,181,111, A>G on the plus strand (T>C on the coding strand, the complement: COL11A2 is on the minus strand). VCF-style: chr6-33181111-A-G. GRCh37 (hg19) VCF-style: chr6-33148888-A-G.
Other names: c.999T>C, p.Pro333= (NM_001424108.1); c.333T>C, p.Pro111= (NM_001424109.1); c.153T>C, p.Pro51= (NM_001424110.1, NM_001424111.1); c.858T>C, p.Pro286= (NM_080679.3); c.921T>C, p.Pro307= (NM_080681.3).
Identifiers: ClinVar variation 2703947 (VCV002703947.1), dbSNP rs765428376, ClinGen allele CA3751447.

ClinVar aggregate classification (germline): Uncertain significance (1 of 4 stars; one submission).

Allele frequency attached by ClinVar (database versions not stated): gnomAD exomes below 0.00001; ExAC 0.00001.
gnomAD v4.1: 2 of 1,614,108 alleles (0.00012%); highest among the groups gnomAD compares: East Asian, 0.0022%; no homozygotes.

Submission:

Labcorp Genetics (formerly Invitae), Labcorp
Classification: Uncertain significance. Last evaluated: 2023-10-17. Review status: criteria provided, single submitter. Criteria: Invitae Variant Classification Sherloc (09022015). Collection method: clinical testing. Allele origin: germline.
Comment: This sequence change affects codon 393 of the COL11A2 mRNA. It is a 'silent' change, meaning that it does not change the encoded amino acid sequence of the COL11A2 protein. It affects a nucleotide within the consensus splice site. This variant is present in population databases (rs765428376, gnomAD 0.006%). This variant has not been reported in the literature in individuals affected with COL11A2-related conditions. Algorithms developed to predict the effect of sequence changes on RNA splicing suggest that this variant is not likely to affect RNA splicing. In summary, the available evidence is currently insufficient to determine the role of this variant in disease. Therefore, it has been classified as a Variant of Uncertain Significance.